The following is an entry in ClinVar:

ClinVar aggregate classification (germline): Likely benign (1 of 4 stars; one submission).

Conditions:
LEPR-related disorder. Also called: LEPR-related disorders; LEPR-related condition.

gnomAD v4.1: 79 of 1,613,622 alleles (0.0049%); highest among the groups gnomAD compares: Non-Finnish European, 0.006%; no homozygotes.

Submission:

PreventionGenetics, part of Exact Sciences
Classification: Likely benign for LEPR-related condition. Last evaluated: 2025-01-23. Review status: criteria provided, single submitter. Criteria: ACMG Guidelines, 2015. Collection method: clinical testing. Allele origin: germline.
Comment: This variant is classified as likely benign based on ACMG/AMP sequence variant interpretation guidelines (Richards et al. 2015 PMID: 25741868, with internal and published modifications).

NM_002303.6(LEPR):c.1959T>C (p.Thr653=)

Gene: LEPR (leptin receptor; plus strand). Cytogenetic location: 1p31.3.
Variant type: single nucleotide variant.
Coding change: c.1959T>C on transcript NM_002303.6 (MANE Select); coding-DNA position 1959, T replaced by C.
Protein change: p.Thr653=; no amino-acid change (threonine 653 retained).
Molecular consequence: synonymous variant.
Genome position (GRCh38, 1-based): chr1:65,610,260, T>C. VCF-style: chr1-65610260-T-C. GRCh37 (hg19) VCF-style: chr1-66075943-T-C.
Other names: c.1959T>C, p.Thr653= (NM_001003679.3, NM_001003680.3, NM_001198687.2 and 2 more transcripts).
Identifiers: ClinVar variation 4989471 (VCV004989471.1).
Genomic context (GRCh38, chr1:65,610,260, plus strand): 5'-TTGTCATTTTGCAGTTCCTATGAGAGGACCTGAATTTTGGAGAATAATTAATGGAGATAC[T>C]ATGAAAAAGGAGAAAAATGTCACTTTACTTTGGAAGGTATTCCCAATTTTAATATTAATC-3'
Protein context (NP_002294.2, residues 643-663): PEFWRIINGD[Thr653=]MKKEKNVTLL